The following is an entry in ClinVar:

ClinVar aggregate classification (germline): Uncertain significance. Review status: criteria provided, multiple submitters, no conflicts (2 of 4 stars). 3 submissions from 3 submitters: Uncertain significance (3). Last evaluated 2023-01-18.

Conditions:
Nephronophthisis. Also called: Juvenile Nephronophthisis. Identifiers: Orphanet 655, MedGen C0687120, MONDO:0019005, HP:0000090.
Senior-Loken syndrome 5 (SLSN5). Identifiers: Orphanet 3156, MedGen C1836517, MONDO:0012225, OMIM 609254.

Allele frequency attached by ClinVar (database versions not stated): gnomAD exomes below 0.00001 and 0.00001; TOPMed below 0.00001; gnomAD 0.00001.
gnomAD v4.1: 6 of 1,580,082 alleles (0.00038%); highest among the groups gnomAD compares: Non-Finnish European, 0.00052%; no homozygotes.

Submissions (3):

Blueprint Genetics
Classification: Uncertain significance. Last evaluated: 2023-01-18. Review status: criteria provided, single submitter. Criteria: ACMG Guidelines, 2015. Collection method: clinical testing. Allele origin: germline.

Fulgent Genetics
Classification: Uncertain significance for Senior-Loken syndrome 5. Last evaluated: 2021-07-22. Review status: criteria provided, single submitter. Criteria: ACMG Guidelines, 2015. Collection method: clinical testing. Allele origin: unknown.

Labcorp Genetics (formerly Invitae), Labcorp
Classification: Uncertain significance for Nephronophthisis. Last evaluated: 2020-09-09. Review status: criteria provided, single submitter. Criteria: Invitae Variant Classification Sherloc (09022015). Collection method: clinical testing. Allele origin: germline.
Comment: This variant has not been reported in the literature in individuals with IQCB1-related conditions. In summary, the available evidence is currently insufficient to determine the role of this variant in disease. Therefore, it has been classified as a Variant of Uncertain Significance. Algorithms developed to predict the effect of missense changes on protein structure and function output the following: SIFT: "Tolerated"; PolyPhen-2: "Benign"; Align-GVGD: "Class C0". The isoleucine amino acid residue is found in multiple mammalian species, suggesting that this missense change does not adversely affect protein function. These predictions have not been confirmed by published functional studies and their clinical significance is uncertain. This variant is not present in population databases (ExAC no frequency). This sequence change replaces valine with isoleucine at codon 178 of the IQCB1 protein (p.Val178Ile). The valine residue is highly conserved and there is a small physicochemical difference between valine and isoleucine.

NM_001023570.4(IQCB1):c.532G>A (p.Val178Ile)

Gene: IQCB1 (IQ motif containing B1; minus strand). Cytogenetic location: 3q13.33.
Variant type: single nucleotide variant.
Coding change: c.532G>A on transcript NM_001023570.4 (MANE Select); coding-DNA position 532, G replaced by A.
Protein change: p.Val178Ile; replaces valine 178 with isoleucine.
Molecular consequence: missense variant. On other transcripts: non-coding transcript variant (1).
Genome position (GRCh38, 1-based): chr3:121,807,399, C>T on the plus strand (G>A on the coding strand, the complement: IQCB1 is on the minus strand). VCF-style: chr3-121807399-C-T. GRCh37 (hg19) VCF-style: chr3-121526246-C-T.
Other names: c.532G>A, p.Val178Ile (NM_001023571.4, NM_001319107.2); short protein forms V178I.
Identifiers: ClinVar variation 971599 (VCV000971599.9), dbSNP rs1272185942, ClinGen allele CA354105582.